The following is an entry in ClinVar:

ClinVar aggregate classification (germline): Benign (0 of 4 stars; one submission).

Conditions:
FARSB-related disorder. Also called: FARSB-related condition.

Allele frequency attached by ClinVar (database versions not stated): 1000 Genomes Project 0.00739; 1000 Genomes Project 30x 0.00796; ExAC 0.01488; TOPMed 0.01561; gnomAD 0.01582; ESP Exome Variant Server 0.01668.
gnomAD v4.1: 32,475 of 1,611,296 alleles (2%); highest among the groups gnomAD compares: Non-Finnish European, 2.4%; 392 homozygotes.

Submission:

PreventionGenetics, part of Exact Sciences
Classification: Benign for FARSB-related condition. Last evaluated: 2023-11-21. Review status: no assertion criteria provided. Collection method: clinical testing. Allele origin: germline.
Comment: This variant is classified as benign based on ACMG/AMP sequence variant interpretation guidelines (Richards et al. 2015 PMID: 25741868, with internal and published modifications).

NM_005687.5(FARSB):c.*4T>C

Gene: FARSB (phenylalanyl-tRNA synthetase subunit beta; minus strand). Cytogenetic location: 2q36.1.
Variant type: single nucleotide variant.
Coding change: c.*4T>C on transcript NM_005687.5 (MANE Select); 4 bases downstream of the stop codon, T replaced by C.
Molecular consequence: 3 prime UTR variant. On other transcripts: non-coding transcript variant (1).
Genome position (GRCh38, 1-based): chr2:222,571,867, A>G on the plus strand (T>C on the coding strand, the complement: FARSB is on the minus strand). VCF-style: chr2-222571867-A-G. GRCh37 (hg19) VCF-style: chr2-223436586-A-G.
Identifiers: ClinVar variation 3056152 (VCV003056152.2), dbSNP rs116655892, ClinGen allele CA2136264.
Genomic context (GRCh38, chr2:222,571,867, plus strand): 5'-TTAAGGACACTAGGGGAGGAGAAAGGGACACCTGGGAAGAGAATCACACCACAGAGACCA[A>G]TCTTCACAAAAAGGGTCCAACATTGATTTCTAGGGAGGAGCAGGGCATGGTCAGCTCAAA-3'